The following is an entry in ClinVar:

ClinVar aggregate classification (germline): Uncertain significance (1 of 4 stars; one submission).

Conditions:
ZTTK syndrome (ZTTKS). Also called: Zhu-Tokita-Takenouchi-Kim Syndrome; ZTTK MULTIPLE CONGENITAL ANOMALIES-MENTAL RETARDATION SYNDROME. Identifiers: Orphanet 500150, MedGen C4310696, MONDO:0014936, OMIM 617140.

Submission:

Illumina Laboratory Services, Illumina
Classification: Uncertain significance for ZTTK syndrome. Last evaluated: 2023-10-09. Review status: criteria provided, single submitter. Criteria: ISL SNV Classification Criteria 03 February 2026. Collection method: clinical testing. Allele origin: unknown.
Comment: The SON c.1889T>C p.(Leu630Pro) missense variant has not, to our knowledge, been reported in the peer-reviewed literature. This variant is not observed in version 2.1.1 or version 3.1.2 of the Genome Aggregation Database. Based on the available evidence, the c.1889T>C p.(Leu630Pro) variant is classified as a variant of uncertain significance for Zhu-Tokita-Takenouchi-Kim syndrome.

NM_138927.4(SON):c.1889T>C (p.Leu630Pro)

Gene: SON (SON DNA and RNA binding protein; plus strand). Cytogenetic location: 21q22.11.
Variant type: single nucleotide variant.
Coding change: c.1889T>C on transcript NM_138927.4 (MANE Select); coding-DNA position 1889, T replaced by C.
Protein change: p.Leu630Pro; replaces leucine 630 with proline.
Molecular consequence: missense variant. On other transcripts: non-coding transcript variant (1), intron variant (1).
Genome position (GRCh38, 1-based): chr21:33,551,120, T>C. VCF-style: chr21-33551120-T-C. GRCh37 (hg19) VCF-style: chr21-34923426-T-C.
Other names: c.1889T>C, p.Leu630Pro (NM_001291411.2, NM_032195.3); c.244+4741T>C (NM_001291412.3); short protein forms L630P.
Identifiers: ClinVar variation 4759451 (VCV004759451.1).